The following is an entry in ClinVar:

NM_006206.6(PDGFRA):c.302A>G (p.Tyr101Cys)

Gene: PDGFRA (platelet derived growth factor receptor alpha; plus strand). Cytogenetic location: 4q12.
Variant type: single nucleotide variant.
Coding change: c.302A>G on transcript NM_006206.6 (MANE Select); coding-DNA position 302, A replaced by G.
Protein change: p.Tyr101Cys; replaces tyrosine 101 with cysteine.
Molecular consequence: missense variant.
Genome position (GRCh38, 1-based): chr4:54,261,347, A>G. VCF-style: chr4-54261347-A-G. GRCh37 (hg19) VCF-style: chr4-55127514-A-G.
Other names: c.302A>G, p.Tyr101Cys (NM_001347827.2, NM_001347829.2); c.377A>G, p.Tyr126Cys (NM_001347828.2); c.341A>G, p.Tyr114Cys (NM_001347830.2); short protein forms Y114C, Y126C, Y101C.
Identifiers: ClinVar variation 968248 (VCV000968248.11), dbSNP rs779726497, ClinGen allele CA2922265.

ClinVar aggregate classification (germline): Uncertain significance. Review status: criteria provided, multiple submitters, no conflicts (2 of 4 stars). 2 submissions from 2 submitters: Uncertain significance (2). Last evaluated 2025-08-05.

Conditions:
Gastrointestinal stromal tumor. Also called: Gastrointestinal stromal tumor, somatic; Gastrointestinal stroma tumor. Identifiers: Orphanet 44890, MedGen C0238198, MeSH D046152, MONDO:0011719, OMIM 606764, HP:0100723.
Hereditary cancer-predisposing syndrome. Also called: Neoplastic Syndromes, Hereditary; Hereditary Cancer Syndrome; Hereditary neoplastic syndrome; Tumor predisposition. Identifiers: Orphanet 140162, MedGen C0027672, MeSH D009386, MONDO:0015356.

Allele frequency attached by ClinVar (database versions not stated): gnomAD exomes below 0.00001; TOPMed below 0.00001; ExAC 0.00001.
gnomAD v4.1: 5 of 1,614,042 alleles (0.00031%); highest among the groups gnomAD compares: South Asian, 0.0011%; no homozygotes.

Submissions (2):

Labcorp Genetics (formerly Invitae), Labcorp
Classification: Uncertain significance for Gastrointestinal stromal tumor. Last evaluated: 2025-08-05. Review status: criteria provided, single submitter. Criteria: Invitae Variant Classification Sherloc (09022015). Collection method: clinical testing. Allele origin: germline.
Comment: This sequence change replaces tyrosine, which is neutral and polar, with cysteine, which is neutral and slightly polar, at codon 101 of the PDGFRA protein (p.Tyr101Cys). This variant is present in population databases (rs779726497, gnomAD 0.003%). This variant has not been reported in the literature in individuals affected with PDGFRA-related conditions. ClinVar contains an entry for this variant (Variation ID: 968248). Invitae Evidence Modeling of protein sequence and biophysical properties (such as structural, functional, and spatial information, amino acid conservation, physicochemical variation, residue mobility, and thermodynamic stability) indicates that this missense variant is not expected to disrupt PDGFRA protein function with a negative predictive value of 80%. In summary, the available evidence is currently insufficient to determine the role of this variant in disease. Therefore, it has been classified as a Variant of Uncertain Significance.

Ambry Genetics
Classification: Uncertain significance for Hereditary cancer-predisposing syndrome. Last evaluated: 2024-12-12. Review status: criteria provided, single submitter. Criteria: Ambry Variant Classification Scheme 2023. Collection method: clinical testing. Allele origin: germline.
Comment: The p.Y101C variant (also known as c.302A>G), located in coding exon 2 of the PDGFRA gene, results from an A to G substitution at nucleotide position 302. The tyrosine at codon 101 is replaced by cysteine, an amino acid with highly dissimilar properties. This amino acid position is conserved. In addition, this alteration is predicted to be tolerated by in silico analysis. Based on the available evidence, the clinical significance of this variant remains unclear.